The following is an entry in ClinVar:

NM_001378477.3(NYX):c.346G>A (p.Gly116Ser)

Gene: NYX (nyctalopin; plus strand). Cytogenetic location: Xp11.4.
Variant type: single nucleotide variant.
Coding change: c.346G>A on transcript NM_001378477.3 (MANE Select); coding-DNA position 346, G replaced by A.
Protein change: p.Gly116Ser; replaces glycine 116 with serine.
Molecular consequence: missense variant.
Genome position (GRCh38, 1-based): chrX:41,473,814, G>A. VCF-style: chrX-41473814-G-A. GRCh37 (hg19) VCF-style: chrX-41333067-G-A.
Other names: c.346G>A, p.Gly116Ser (NM_022567.3); short protein forms G116S.
Identifiers: ClinVar variation 2052905 (VCV002052905.4), dbSNP rs757170912, ClinGen allele CA412989902.

ClinVar aggregate classification (germline): Uncertain significance (1 of 4 stars; one submission).

Allele frequency attached by ClinVar (database versions not stated): TOPMed below 0.00001.

Submission:

Labcorp Genetics (formerly Invitae), Labcorp
Classification: Uncertain significance. Last evaluated: 2023-11-06. Review status: criteria provided, single submitter. Criteria: Invitae Variant Classification Sherloc (09022015). Collection method: clinical testing. Allele origin: germline.
Comment: This sequence change replaces glycine, which is neutral and non-polar, with serine, which is neutral and polar, at codon 121 of the NYX protein (p.Gly121Ser). This variant is not present in population databases (gnomAD no frequency). This variant has not been reported in the literature in individuals affected with NYX-related conditions. ClinVar contains an entry for this variant (Variation ID: 2052905). An algorithm developed to predict the effect of missense changes on protein structure and function (PolyPhen-2) suggests that this variant is likely to be disruptive. In summary, the available evidence is currently insufficient to determine the role of this variant in disease. Therefore, it has been classified as a Variant of Uncertain Significance.